The following is an entry in ClinVar:

ClinVar aggregate classification (germline): Uncertain significance (1 of 4 stars; one submission).

gnomAD v4.1: 1 of 1,613,990 alleles (0.000062%); highest among the groups gnomAD compares: Non-Finnish European, 0.000085%; no homozygotes.

Submission:

Women's Health and Genetics/Laboratory Corporation of America, LabCorp
Classification: Uncertain significance. Last evaluated: 2025-03-05. Review status: criteria provided, single submitter. Criteria: LabCorp Variant Classification Summary - May 2015. Collection method: clinical testing. Allele origin: germline.
Comment: Variant summary: COL7A1 c.3851G>A (p.Gly1284Asp) results in a non-conservative amino acid change located in the Collagen triple helix repeat (20 copies) (IPR008160) of the encoded protein sequence. Five of five in-silico tools predict a damaging effect of the variant on protein function. The variant allele was found at a frequency of 4e-06 in 250686 control chromosomes. The available data on variant occurrences in the general population are insufficient to allow any conclusion about variant significance. To our knowledge, no occurrence of c.3851G>A in individuals affected with Dystrophic Epidermolysis Bullosa, Recessive and no experimental evidence demonstrating its impact on protein function have been reported. No submitters have cited clinical-significance assessments for this variant to ClinVar. Based on the evidence outlined above, the variant was classified as uncertain significance.

NM_000094.4(COL7A1):c.3851G>A (p.Gly1284Asp)

Gene: COL7A1 (collagen type VII alpha 1 chain; minus strand). Cytogenetic location: 3p21.31.
Variant type: single nucleotide variant.
Coding change: c.3851G>A on transcript NM_000094.4 (MANE Select); coding-DNA position 3851, G replaced by A.
Protein change: p.Gly1284Asp; replaces glycine 1284 with aspartic acid.
Molecular consequence: missense variant.
Genome position (GRCh38, 1-based): chr3:48,585,600, C>T on the plus strand (G>A on the coding strand, the complement: COL7A1 is on the minus strand). VCF-style: chr3-48585600-C-T. GRCh37 (hg19) VCF-style: chr3-48623033-C-T.
Other names: short protein forms G1284D.
Identifiers: ClinVar variation 3895823 (VCV003895823.1).